The following is an entry in ClinVar:

NM_001034850.3(RETREG1):c.458+158G>A

Gene: RETREG1 (reticulophagy regulator 1; minus strand). Cytogenetic location: 5p15.1.
Variant type: single nucleotide variant.
Coding change: c.458+158G>A on transcript NM_001034850.3 (MANE Select); 158 bases into the intron after coding-DNA position 458, G replaced by A.
Molecular consequence: intron variant.
Genome position (GRCh38, 1-based): chr5:16,565,605, C>T on the plus strand (G>A on the coding strand, the complement: RETREG1 is on the minus strand). VCF-style: chr5-16565605-C-T. GRCh37 (hg19) VCF-style: chr5-16565714-C-T.
Identifiers: ClinVar variation 677264 (VCV000677264.1), dbSNP rs116382119, ClinGen allele CA114971078.

ClinVar aggregate classification (germline): Likely benign (1 of 4 stars; one submission).

Allele frequency attached by ClinVar (database versions not stated): gnomAD 0.00611 and 0.00659; TOPMed 0.00748; 1000 Genomes Project 0.00839; 1000 Genomes Project 30x 0.00890.
gnomAD v4.1: 928 of 152,154 alleles (0.61%); highest among the groups gnomAD compares: African/African-American, 2.1%; 8 homozygotes.

Submission:

GeneDx
Classification: Likely benign. Last evaluated: 2018-06-16. Review status: criteria provided, single submitter. Criteria: GeneDx Variant Classification (06012015). Collection method: clinical testing. Allele origin: germline. Affected: yes.
Comment: This variant is considered likely benign or benign based on one or more of the following criteria: it is a conservative change, it occurs at a poorly conserved position in the protein, it is predicted to be benign by multiple in silico algorithms, and/or has population frequency not consistent with disease.